The following is an entry in ClinVar:

NM_001189.4(NKX3-2):c.184G>T (p.Ala62Ser)

Gene: NKX3-2 (NK3 homeobox 2; minus strand). Cytogenetic location: 4p15.33.
Variant type: single nucleotide variant.
Coding change: c.184G>T on transcript NM_001189.4 (MANE Select); coding-DNA position 184, G replaced by T.
Protein change: p.Ala62Ser; replaces alanine 62 with serine.
Molecular consequence: missense variant.
Genome position (GRCh38, 1-based): chr4:13,544,231, C>A on the plus strand (G>T on the coding strand, the complement: NKX3-2 is on the minus strand). VCF-style: chr4-13544231-C-A. GRCh37 (hg19) VCF-style: chr4-13545855-C-A.
Other names: c.184G>T (NM_001189.3); short protein forms A62S.
Identifiers: ClinVar variation 2765309 (VCV002765309.4), dbSNP rs756860449, ClinGen allele CA2860468.

ClinVar aggregate classification (germline): Uncertain significance. Review status: criteria provided, multiple submitters, no conflicts (2 of 4 stars). 2 submissions from 2 submitters: Uncertain significance (2). Last evaluated 2026-01-19.

Conditions:
Inborn genetic diseases. Identifiers: MedGen C0950123, MeSH D030342.

Allele frequency attached by ClinVar (database versions not stated): gnomAD 0.00001; gnomAD exomes 0.00001; TOPMed below 0.00001; ExAC 0.00003.
gnomAD v4.1: 20 of 1,589,536 alleles (0.0013%); highest among the groups gnomAD compares: Non-Finnish European, 0.0017%; no homozygotes.

Submissions (2):

Labcorp Genetics (formerly Invitae), Labcorp
Classification: Uncertain significance. Last evaluated: 2026-01-19. Review status: criteria provided, single submitter. Criteria: Invitae Variant Classification Sherloc (09022015). Collection method: clinical testing. Allele origin: germline.
Comment: This sequence change replaces alanine, which is neutral and non-polar, with serine, which is neutral and polar, at codon 62 of the NKX3-2 protein (p.Ala62Ser). This variant is present in population databases (rs756860449, gnomAD 0.004%). This variant has not been reported in the literature in individuals affected with NKX3-2-related conditions. ClinVar contains an entry for this variant (Variation ID: 2765309). An algorithm developed to predict the effect of missense changes on protein structure and function outputs the following: PolyPhen-2: "Benign". The serine amino acid residue is found in multiple mammalian species, which suggests that this missense change does not adversely affect protein function. In summary, the available evidence is currently insufficient to determine the role of this variant in disease. Therefore, it has been classified as a Variant of Uncertain Significance.

Ambry Genetics
Classification: Uncertain significance for Inborn genetic diseases. Last evaluated: 2025-04-08. Review status: criteria provided, single submitter. Criteria: Ambry Variant Classification Scheme 2023. Collection method: clinical testing. Allele origin: germline.